The following is an entry in ClinVar:

NM_001195263.2(PDZD7):c.1340G>A (p.Arg447Gln)

Gene: PDZD7 (PDZ domain containing 7; minus strand). Cytogenetic location: 10q24.31.
Variant type: single nucleotide variant.
Coding change: c.1340G>A on transcript NM_001195263.2 (MANE Select); coding-DNA position 1340, G replaced by A.
Protein change: p.Arg447Gln; replaces arginine 447 with glutamine.
Molecular consequence: missense variant. On other transcripts: synonymous variant (1).
Genome position (GRCh38, 1-based): chr10:101,018,281, C>T on the plus strand (G>A on the coding strand, the complement: PDZD7 is on the minus strand). VCF-style: chr10-101018281-C-T. GRCh37 (hg19) VCF-style: chr10-102778038-C-T.
Other names: c.1368G>A, p.Ala456= (NM_001351044.2); c.1340G>A, p.Arg447Gln (NM_024895.5); short protein forms R447Q.
Identifiers: ClinVar variation 1714449 (VCV001714449.6), dbSNP rs764152182, ClinGen allele CA212983549.

ClinVar aggregate classification (germline): Uncertain significance (1 of 4 stars; one submission).

Allele frequency attached by ClinVar (database versions not stated): gnomAD exomes below 0.00001.
gnomAD v4.1: 1 of 1,613,786 alleles (0.000062%); highest among the groups gnomAD compares: East Asian, 0.0022%; no homozygotes.

Submission:

Labcorp Genetics (formerly Invitae), Labcorp
Classification: Uncertain significance. Last evaluated: 2023-07-17. Review status: criteria provided, single submitter. Criteria: Invitae Variant Classification Sherloc (09022015). Collection method: clinical testing. Allele origin: germline.
Comment: In summary, the available evidence is currently insufficient to determine the role of this variant in disease. Therefore, it has been classified as a Variant of Uncertain Significance. Advanced modeling of protein sequence and biophysical properties (such as structural, functional, and spatial information, amino acid conservation, physicochemical variation, residue mobility, and thermodynamic stability) performed at Invitae indicates that this missense variant is not expected to disrupt PDZD7 protein function. ClinVar contains an entry for this variant (Variation ID: 1714449). This variant has not been reported in the literature in individuals affected with PDZD7-related conditions. This variant is not present in population databases (gnomAD no frequency). This sequence change replaces arginine, which is basic and polar, with glutamine, which is neutral and polar, at codon 447 of the PDZD7 protein (p.Arg447Gln).